The following is an entry in ClinVar:

NM_001363711.2(DUOX2):c.377C>T (p.Ala126Val)

Gene: DUOX2 (dual oxidase 2; minus strand). Cytogenetic location: 15q21.1.
Variant type: single nucleotide variant.
Coding change: c.377C>T on transcript NM_001363711.2 (MANE Select); coding-DNA position 377, C replaced by T.
Protein change: p.Ala126Val; replaces alanine 126 with valine.
Molecular consequence: missense variant.
Genome position (GRCh38, 1-based): chr15:45,111,904, G>A on the plus strand (C>T on the coding strand, the complement: DUOX2 is on the minus strand). VCF-style: chr15-45111904-G-A. GRCh37 (hg19) VCF-style: chr15-45404102-G-A.
Other names: c.377C>T, p.Ala126Val (NM_014080.5); short protein forms A126V.
Identifiers: ClinVar variation 316188 (VCV000316188.7), dbSNP rs768688870, ClinGen allele CA7538973.

ClinVar aggregate classification (germline): Uncertain significance. Review status: criteria provided, multiple submitters, no conflicts (2 of 4 stars). 2 submissions from 2 submitters: Uncertain significance (2). Last evaluated 2025-03-12.

Conditions:
Thyroid dyshormonogenesis 6 (TDH6). Also called: THYROID HORMONOGENESIS, GENETIC DEFECT IN, 6; Genetic transient congenital hypothyroidism; HYPOTHYROIDISM, CONGENITAL, DUE TO DYSHORMONOGENESIS, 6. Identifiers: Orphanet 226316, Orphanet 95716, MedGen C1846632, MONDO:0011792, OMIM 607200.

Allele frequency attached by ClinVar (database versions not stated): gnomAD exomes 0.00001; ExAC 0.00002.
gnomAD v4.1: 7 of 1,613,876 alleles (0.00043%); highest among the groups gnomAD compares: East Asian, 0.013%; no homozygotes.

Submissions (2):

Labcorp Genetics (formerly Invitae), Labcorp
Classification: Uncertain significance. Last evaluated: 2025-03-12. Review status: criteria provided, single submitter. Criteria: Invitae Variant Classification Sherloc (09022015). Collection method: clinical testing. Allele origin: germline.
Comment: This sequence change replaces alanine, which is neutral and non-polar, with valine, which is neutral and non-polar, at codon 126 of the DUOX2 protein (p.Ala126Val). This variant is present in population databases (rs768688870, gnomAD 0.006%). This variant has not been reported in the literature in individuals affected with DUOX2-related conditions. ClinVar contains an entry for this variant (Variation ID: 316188). Invitae Evidence Modeling of protein sequence and biophysical properties (such as structural, functional, and spatial information, amino acid conservation, physicochemical variation, residue mobility, and thermodynamic stability) indicates that this missense variant is not expected to disrupt DUOX2 protein function with a negative predictive value of 80%. In summary, the available evidence is currently insufficient to determine the role of this variant in disease. Therefore, it has been classified as a Variant of Uncertain Significance.

Illumina Laboratory Services, Illumina
Classification: Uncertain significance for Thyroid dyshormonogenesis 6. Last evaluated: 2018-01-13. Review status: criteria provided, single submitter. Criteria: ICSL Variant Classification Criteria 13 December 2019. Collection method: clinical testing. Allele origin: germline.